The following is an entry in ClinVar:

NM_022765.4(MICAL1):c.785C>T (p.Ala262Val)

Gene: MICAL1 (microtubule associated monooxygenase, calponin and LIM domain containing 1; minus strand). Cytogenetic location: 6q21.
Variant type: single nucleotide variant.
Coding change: c.785C>T on transcript NM_022765.4 (MANE Select); coding-DNA position 785, C replaced by T.
Protein change: p.Ala262Val; replaces alanine 262 with valine.
Molecular consequence: missense variant.
Genome position (GRCh38, 1-based): chr6:109,452,293, G>A on the plus strand (C>T on the coding strand, the complement: MICAL1 is on the minus strand). VCF-style: chr6-109452293-G-A. GRCh37 (hg19) VCF-style: chr6-109773496-G-A.
Other names: c.785C>T, p.Ala262Val (NM_001159291.2); c.842C>T, p.Ala281Val (NM_001286613.2); short protein forms A262V, A281V.
Identifiers: ClinVar variation 1940215 (VCV001940215.5), dbSNP rs1162823714, ClinGen allele CA365232574.

ClinVar aggregate classification (germline): Uncertain significance (1 of 4 stars; one submission).

Allele frequency attached by ClinVar (database versions not stated): gnomAD exomes below 0.00001; gnomAD 0.00001.
gnomAD v4.1: 5 of 1,614,018 alleles (0.00031%); highest among the groups gnomAD compares: Non-Finnish European, 0.00042%; no homozygotes.

Submission:

Labcorp Genetics (formerly Invitae), Labcorp
Classification: Uncertain significance. Last evaluated: 2023-09-03. Review status: criteria provided, single submitter. Criteria: Invitae Variant Classification Sherloc (09022015). Collection method: clinical testing. Allele origin: germline.
Comment: This sequence change replaces alanine, which is neutral and non-polar, with valine, which is neutral and non-polar, at codon 281 of the MICAL1 protein (p.Ala281Val). In summary, the available evidence is currently insufficient to determine the role of this variant in disease. Therefore, it has been classified as a Variant of Uncertain Significance. An algorithm developed to predict the effect of missense changes on protein structure and function (PolyPhen-2) suggests that this variant is likely to be disruptive. ClinVar contains an entry for this variant (Variation ID: 1940215). This variant has not been reported in the literature in individuals affected with MICAL1-related conditions. This variant is present in population databases (no rsID available, gnomAD 0.007%).